The following is an entry in ClinVar:

NM_001128840.3(CACNA1D):c.3956G>T (p.Arg1319Leu)

Gene: CACNA1D (calcium voltage-gated channel subunit alpha1 D; plus strand). Cytogenetic location: 3p21.1.
Variant type: single nucleotide variant.
Coding change: c.3956G>T on transcript NM_001128840.3 (MANE Select); coding-DNA position 3956, G replaced by T.
Protein change: p.Arg1319Leu; replaces arginine 1319 with leucine.
Molecular consequence: missense variant.
Genome position (GRCh38, 1-based): chr3:53,770,464, G>T. VCF-style: chr3-53770464-G-T. GRCh37 (hg19) VCF-style: chr3-53804491-G-T.
Other names: c.4016G>T, p.Arg1339Leu (NM_000720.4); c.3911G>T, p.Arg1304Leu (NM_001128839.3); short protein forms R1304L, R1319L, R1339L.
Identifiers: ClinVar variation 4083243 (VCV004083243.1).

ClinVar aggregate classification (germline): Uncertain significance (1 of 4 stars; one submission).

Submission:

GeneDx
Classification: Uncertain significance. Last evaluated: 2025-03-14. Review status: criteria provided, single submitter. Criteria: GeneDx Variant Classification Process June 2021. Collection method: clinical testing. Allele origin: germline. Affected: yes.
Comment: Not observed at significant frequency in large population cohorts (gnomAD); In silico analysis supports that this missense variant has a deleterious effect on protein structure/function; In silico analysis is inconclusive as to whether the variant alters gene splicing. In the absence of RNA/functional studies, the actual effect of this sequence change is unknown.; Has not been previously published as pathogenic or benign to our knowledge